The following is an entry in ClinVar:

NM_001166108.2(PALLD):c.1537C>T (p.Pro513Ser)

Gene: PALLD (palladin, cytoskeletal associated protein; plus strand). Cytogenetic location: 4q32.3.
Variant type: single nucleotide variant.
Coding change: c.1537C>T on transcript NM_001166108.2 (MANE Select); coding-DNA position 1537, C replaced by T.
Protein change: p.Pro513Ser; replaces proline 513 with serine.
Molecular consequence: missense variant.
Genome position (GRCh38, 1-based): chr4:168,709,063, C>T. VCF-style: chr4-168709063-C-T. GRCh37 (hg19) VCF-style: chr4-169630214-C-T.
Other names: c.391C>T, p.Pro131Ser (NM_001166109.2); c.1537C>T, p.Pro513Ser (NM_016081.4); short protein forms P131S, P513S.
Identifiers: ClinVar variation 2448473 (VCV002448473.2), dbSNP rs2531818477, ClinGen allele CA358797432.

ClinVar aggregate classification (germline): Uncertain significance (1 of 4 stars; one submission).

Submission:

Ambry Genetics
Classification: Uncertain significance. Last evaluated: 2023-01-07. Review status: criteria provided, single submitter. Criteria: Ambry Variant Classification Scheme 2023. Collection method: clinical testing. Allele origin: germline.
Comment: The p.P513S variant (also known as c.1537C>T), located in coding exon 8 of the PALLD gene, results from a C to T substitution at nucleotide position 1537. The proline at codon 513 is replaced by serine, an amino acid with similar properties. This amino acid position is conserved. In addition, the in silico prediction for this alteration is inconclusive. Since supporting evidence is limited at this time, the clinical significance of this alteration remains unclear.